The following is an entry in ClinVar:

ClinVar aggregate classification (germline): Uncertain significance (1 of 4 stars; one submission).

Conditions:
Brody myopathy. Also called: BRODY DISEASE. Identifiers: Orphanet 53347, MedGen C1832918, MONDO:0010977, OMIM 601003.

Allele frequency attached by ClinVar (database versions not stated): gnomAD exomes below 0.00001; TOPMed below 0.00001; gnomAD 0.00001.
gnomAD v4.1: 4 of 1,614,054 alleles (0.00025%); highest among the groups gnomAD compares: East Asian, 0.0045%; no homozygotes.

Submission:

Labcorp Genetics (formerly Invitae), Labcorp
Classification: Uncertain significance for Brody myopathy. Last evaluated: 2021-08-31. Review status: criteria provided, single submitter. Criteria: Invitae Variant Classification Sherloc (09022015). Collection method: clinical testing. Allele origin: germline.
Comment: This sequence change replaces lysine with glutamine at codon 686 of the ATP2A1 protein (p.Lys686Gln). The lysine residue is highly conserved and there is a small physicochemical difference between lysine and glutamine. This variant is not present in population databases (ExAC no frequency). This variant has not been reported in the literature in individuals affected with ATP2A1-related conditions. Algorithms developed to predict the effect of missense changes on protein structure and function are either unavailable or do not agree on the potential impact of this missense change (SIFT: "Deleterious"; PolyPhen-2: "Probably Damaging"; Align-GVGD: "Class C0"). In summary, the available evidence is currently insufficient to determine the role of this variant in disease. Therefore, it has been classified as a Variant of Uncertain Significance.

NM_004320.6(ATP2A1):c.2056A>C (p.Lys686Gln)

Gene: ATP2A1 (ATPase sarcoplasmic/endoplasmic reticulum Ca2+ transporting 1; plus strand). Cytogenetic location: 16p11.2.
Variant type: single nucleotide variant.
Coding change: c.2056A>C on transcript NM_004320.6 (MANE Select); coding-DNA position 2056, A replaced by C.
Protein change: p.Lys686Gln; replaces lysine 686 with glutamine.
Molecular consequence: missense variant.
Genome position (GRCh38, 1-based): chr16:28,900,872, A>C. VCF-style: chr16-28900872-A-C. GRCh37 (hg19) VCF-style: chr16-28912193-A-C.
Other names: c.1681A>C, p.Lys561Gln (NM_001286075.2); c.2056A>C, p.Lys686Gln (NM_173201.5); short protein forms K561Q, K686Q.
Identifiers: ClinVar variation 1053330 (VCV001053330.6), dbSNP rs1181435083, ClinGen allele CA395411499.